The following is an entry in ClinVar:

NM_001365276.2(TNXB):c.3577dup (p.Tyr1193fs)

Gene: TNXB (tenascin XB; minus strand). Cytogenetic location: 6p21.33.
Variant type: Duplication.
Coding change: c.3577dup on transcript NM_001365276.2 (MANE Select); coding-DNA position 3577, one base duplicated (T; older notation c.3577dupT).
Protein change: p.Tyr1193fs; shifts the reading frame from tyrosine 1193.
Molecular consequence: frameshift variant.
Genome position (GRCh38, 1-based): chr6:32,082,195, A duplicated on the plus strand (T on the coding strand, the reverse complement: TNXB is on the minus strand). VCF-style (leftmost placement, unchanged base first): chr6-32082194-T-TA. GRCh37 (hg19) VCF-style: chr6-32049971-T-TA.
Other names: c.4318dup, p.Tyr1440fs (NM_001428335.1); c.3577dup, p.Tyr1193fs (NM_019105.8); short protein forms Y1193fs, Y1440fs.
Identifiers: ClinVar variation 5019081 (VCV005019081.2).
Genomic context (GRCh38, chr6:32,082,194, plus strand): 5'-ACAAATGAACGCTCGGGCCCTTCCACAGGTACCACCTGGGGCCGTCCATCCCTGTCCCTG[T>TA]ACTGGACCATGAAGGTGTCAAACTGGCCCTCAGGGACAGTCCAGGAGAGGTGCAGTGAAT-3'

ClinVar aggregate classification (germline): Likely pathogenic (1 of 4 stars; one submission).

Conditions:
Ehlers-Danlos syndrome due to tenascin-X deficiency (EDSCLL1). Also called: EHLERS-DANLOS SYNDROME, CLASSIC-LIKE; Ehlers-Danlos syndrome, classic-like, 1; TNX DEFICIENCY; TNXB-Related Classical-Like Ehlers-Danlos Syndrome; EDS DUE TO TNX DEFICIENCY. Identifiers: Orphanet 230839, MedGen C1848029, MONDO:0011670, OMIM 606408.

Submission:

Juno Genomics, Hangzhou Juno Genomics, Inc
Classification: Likely pathogenic for Ehlers-Danlos syndrome due to tenascin-X deficiency. Review status: criteria provided, single submitter. Criteria: ACMG Guidelines, 2015. Collection method: clinical testing. Allele origin: germline.
Comment: Absent from controls (or at extremely low frequency if recessive) in Genome Aggregation Database.;Null variant in a gene where loss of function (LOF) is a known mechanism of disease.